The following is an entry in ClinVar:

NM_015164.4(PLEKHM2):c.803G>A (p.Arg268His)

Gene: PLEKHM2 (pleckstrin homology and RUN domain containing M2; plus strand). Cytogenetic location: 1p36.21.
Variant type: single nucleotide variant.
Coding change: c.803G>A on transcript NM_015164.4 (MANE Select); coding-DNA position 803, G replaced by A.
Protein change: p.Arg268His; replaces arginine 268 with histidine.
Molecular consequence: missense variant.
Genome position (GRCh38, 1-based): chr1:15,725,407, G>A. VCF-style: chr1-15725407-G-A. GRCh37 (hg19) VCF-style: chr1-16051902-G-A.
Other names: short protein forms R268H.
Identifiers: ClinVar variation 1007560 (VCV001007560.10), dbSNP rs540176774, ClinGen allele CA616775.

ClinVar aggregate classification (germline): Uncertain significance. Review status: criteria provided, multiple submitters, no conflicts (2 of 4 stars). 2 submissions from 2 submitters: Uncertain significance (2). Last evaluated 2023-12-28.

Allele frequency attached by ClinVar (database versions not stated): gnomAD 0.00001; gnomAD exomes 0.00002; TOPMed 0.00002; ExAC 0.00005; 1000 Genomes Project 30x 0.00016; 1000 Genomes Project 0.00020.
gnomAD v4.1: 38 of 1,553,836 alleles (0.0024%); highest among the groups gnomAD compares: South Asian, 0.0095%; no homozygotes.

Submissions (2):

Labcorp Genetics (formerly Invitae), Labcorp
Classification: Uncertain significance. Last evaluated: 2023-12-28. Review status: criteria provided, single submitter. Criteria: Invitae Variant Classification Sherloc (09022015). Collection method: clinical testing. Allele origin: germline.
Comment: This sequence change replaces arginine, which is basic and polar, with histidine, which is basic and polar, at codon 268 of the PLEKHM2 protein (p.Arg268His). The frequency data for this variant in the population databases is considered unreliable, as metrics indicate poor data quality at this position in the gnomAD database. This variant has not been reported in the literature in individuals affected with PLEKHM2-related conditions. ClinVar contains an entry for this variant (Variation ID: 1007560). An algorithm developed to predict the effect of missense changes on protein structure and function (PolyPhen-2) suggests that this variant is likely to be disruptive. In summary, the available evidence is currently insufficient to determine the role of this variant in disease. Therefore, it has been classified as a Variant of Uncertain Significance.

Blueprint Genetics
Classification: Uncertain significance. Last evaluated: 2019-11-21. Review status: criteria provided, single submitter. Criteria: ACMG Guidelines, 2015. Collection method: clinical testing. Allele origin: germline.